The following is an entry in ClinVar:

ClinVar aggregate classification (germline): Likely benign (1 of 4 stars; one submission).

Submission:

CeGaT Center for Human Genetics Tuebingen
Classification: Likely benign. Last evaluated: 2025-11-01. Review status: criteria provided, single submitter. Criteria: CeGaT Center For Human Genetics Tuebingen Variant Classification Criteria Version 2. Collection method: clinical testing. Allele origin: germline. Affected: yes. Observed: 1 variant allele.
Comment: FLG2: BP4, BS1

NM_001014342.3(FLG2):c.6116A>C (p.His2039Pro)

Genes: CCDST (cervical cancer associated DHX9 suppressive transcript; plus strand), FLG2 (filaggrin 2; minus strand). Cytogenetic location: 1q21.3.
Variant type: single nucleotide variant.
Coding change: c.6116A>C on transcript NM_001014342.3 (MANE Select); coding-DNA position 6116, A replaced by C.
Protein change: p.His2039Pro; replaces histidine 2039 with proline.
Molecular consequence: missense variant.
Genome position (GRCh38, 1-based): chr1:152,351,670, T>G on the plus strand (A>C on the coding strand, the complement: FLG2 is on the minus strand). VCF-style: chr1-152351670-T-G. GRCh37 (hg19) VCF-style: chr1-152324146-T-G.
Other names: short protein forms H2039P.
Identifiers: ClinVar variation 4533571 (VCV004533571.6).